The following is an entry in ClinVar:

NM_001332.4(CTNND2):c.1150A>G (p.Thr384Ala)

Gene: CTNND2 (catenin delta 2; minus strand). Cytogenetic location: 5p15.2.
Variant type: single nucleotide variant.
Coding change: c.1150A>G on transcript NM_001332.4 (MANE Select); coding-DNA position 1150, A replaced by G.
Protein change: p.Thr384Ala; replaces threonine 384 with alanine.
Molecular consequence: missense variant. On other transcripts: intron variant (3).
Genome position (GRCh38, 1-based): chr5:11,384,692, T>C on the plus strand (A>G on the coding strand, the complement: CTNND2 is on the minus strand). VCF-style: chr5-11384692-T-C. GRCh37 (hg19) VCF-style: chr5-11384804-T-C.
Other names: c.877A>G, p.Thr293Ala (NM_001288715.1); c.-123+12339A>G (NM_001288717.2); c.167-19802A>G (NM_001364128.2, NM_001288716.1); c.1150A>G (NM_001332.3); short protein forms T293A, T384A.
Identifiers: ClinVar variation 3078684 (VCV003078684.2), dbSNP rs1758861989, ClinGen allele CA359281006.

ClinVar aggregate classification (germline): Uncertain significance. Review status: criteria provided, multiple submitters, no conflicts (2 of 4 stars). 2 submissions from 2 submitters: Uncertain significance (2). Last evaluated 2024-11-27.

Conditions:
CTNND2-related disorder. Also called: CTNND2-related condition.
Inborn genetic diseases. Identifiers: MedGen C0950123, MeSH D030342.

Allele frequency attached by ClinVar (database versions not stated): TOPMed below 0.00001; gnomAD exomes 0.00001.
gnomAD v4.1: 8 of 1,606,830 alleles (0.0005%); highest among the groups gnomAD compares: Non-Finnish European, 0.00068%; no homozygotes.

Submissions (2):

PreventionGenetics, part of Exact Sciences
Classification: Uncertain significance for CTNND2-related condition. Last evaluated: 2024-11-27. Review status: criteria provided, single submitter. Criteria: ACMG Guidelines, 2015. Collection method: clinical testing. Allele origin: germline.
Comment: The CTNND2 c.1150A>G variant is predicted to result in the amino acid substitution p.Thr384Ala. To our knowledge, this variant has not been reported in the literature or in a large population database (gnomAD), indicating this variant is rare. At this time, the clinical significance of this variant is uncertain due to the absence of conclusive functional and genetic evidence.

Ambry Genetics
Classification: Uncertain significance for Inborn genetic diseases. Last evaluated: 2023-11-28. Review status: criteria provided, single submitter. Criteria: Ambry Variant Classification Scheme 2023. Collection method: clinical testing. Allele origin: germline.